The following is an entry in ClinVar:

NM_003072.5(SMARCA4):c.4038G>A (p.Trp1346Ter)

Gene: SMARCA4 (SWI/SNF related BAF chromatin remodeling complex subunit ATPase 4; plus strand). Cytogenetic location: 19p13.2.
Variant type: single nucleotide variant.
Coding change: c.4038G>A on transcript NM_003072.5 (MANE Select); coding-DNA position 4038, G replaced by A.
Protein change: p.Trp1346Ter; replaces tryptophan 1346 with a stop codon.
Molecular consequence: nonsense. On other transcripts: non-coding transcript variant (1).
Genome position (GRCh38, 1-based): chr19:11,035,000, G>A. VCF-style: chr19-11035000-G-A. GRCh37 (hg19) VCF-style: chr19-11145676-G-A.
Other names: c.4038G>A, p.Trp1346Ter (NM_001128844.3, NM_001128849.3, NM_001387283.1); c.3939G>A, p.Trp1313Ter (NM_001128845.2, NM_001128846.2, NM_001128847.4 and 3 more transcripts); short protein forms W1313*, W1346*.
Identifiers: ClinVar variation 1737257 (VCV001737257.2), dbSNP rs2146699322, ClinGen allele CA404068172.
Genomic context (GRCh38, chr19:11,035,000, plus strand): 5'-GGAGGCCCGCAACCCCAAGCGGAAGCCGCGCCTCATGGAGGAGGACGAGCTCCCCTCGTG[G>A]ATCATCAAGGACGACGCGGAGGTGGAGCGGCTGACCTGTGAGGAGGAGGAGGAGAAGATG-3'

ClinVar aggregate classification (germline): Pathogenic (1 of 4 stars; one submission).

Conditions:
Hereditary cancer-predisposing syndrome. Also called: Neoplastic Syndromes, Hereditary; Tumor predisposition; Hereditary Cancer Syndrome; Hereditary neoplastic syndrome. Identifiers: Orphanet 140162, MedGen C0027672, MeSH D009386, MONDO:0015356.

Submission:

Ambry Genetics
Classification: Pathogenic for Hereditary cancer-predisposing syndrome. Last evaluated: 2021-09-30. Review status: criteria provided, single submitter. Criteria: Ambry Variant Classification Scheme 2023. Collection method: clinical testing. Allele origin: germline.
Comment: The p.W1346* pathogenic mutation (also known as c.4038G>A), located in coding exon 28 of the SMARCA4 gene, results from a G to A substitution at nucleotide position 4038. This changes the amino acid from a tryptophan to a stop codon within coding exon 28. This variant is considered to be rare based on population cohorts in the Genome Aggregation Database (gnomAD). This alteration is expected to result in loss of function by premature protein truncation or nonsense-mediated mRNA decay. Loss-of-function variants in SMARCA4 are known to cause rhabdoid tumor predisposition syndrome including small cell carcinoma of the ovary-hypercalcemic type (SCCOHT); however, such associations with neurodevelopmental disorders are exceedingly rare (Kosho T et al. Am J Med Genet C Semin Med Genet. 2014 Sep;166C(3):262-75; Jelinic P et al. Nat Genet. 2014 May;46(5):424-6). Based on the supporting evidence, this alteration is pathogenic for rhabdoid tumor predisposition syndrome; however, the association of this alteration with Coffin-Siris syndrome is unlikely.